The following is an entry in ClinVar:

NM_003924.4(PHOX2B):c.581G>A (p.Ser194Asn)

Gene: PHOX2B (paired like homeobox 2B; minus strand). Cytogenetic location: 4p13.
Variant type: single nucleotide variant.
Coding change: c.581G>A on transcript NM_003924.4 (MANE Select); coding-DNA position 581, G replaced by A.
Protein change: p.Ser194Asn; replaces serine 194 with asparagine.
Molecular consequence: missense variant.
Genome position (GRCh38, 1-based): chr4:41,746,171, C>T on the plus strand (G>A on the coding strand, the complement: PHOX2B is on the minus strand). VCF-style: chr4-41746171-C-T. GRCh37 (hg19) VCF-style: chr4-41748188-C-T.
Other names: short protein forms S194N.
Identifiers: ClinVar variation 2124720 (VCV002124720.4), dbSNP rs2552096876, ClinGen allele CA356737899.

ClinVar aggregate classification (germline): Uncertain significance (1 of 4 stars; one submission).

Conditions:
Haddad syndrome (OHD). Also called: Ondine-Hirschsprung disease. Identifiers: Orphanet 99803, MedGen C1859049, MONDO:0020493.

Submission:

Labcorp Genetics (formerly Invitae), Labcorp
Classification: Uncertain significance for Haddad syndrome. Last evaluated: 2021-11-22. Review status: criteria provided, single submitter. Criteria: Invitae Variant Classification Sherloc (09022015). Collection method: clinical testing. Allele origin: germline.
Comment: In summary, the available evidence is currently insufficient to determine the role of this variant in disease. Therefore, it has been classified as a Variant of Uncertain Significance. Algorithms developed to predict the effect of missense changes on protein structure and function are either unavailable or do not agree on the potential impact of this missense change (SIFT: "Deleterious"; PolyPhen-2: "Not Available"; Align-GVGD: "Class C0"). This variant has not been reported in the literature in individuals affected with PHOX2B-related conditions. This variant is not present in population databases (gnomAD no frequency). This sequence change replaces serine, which is neutral and polar, with asparagine, which is neutral and polar, at codon 194 of the PHOX2B protein (p.Ser194Asn).